The following is an entry in ClinVar:

ClinVar aggregate classification (germline): Uncertain significance. Review status: criteria provided, multiple submitters, no conflicts (2 of 4 stars). 2 submissions from 2 submitters: Uncertain significance (2). Last evaluated 2023-01-21.

Conditions:
Familial cancer of breast. Also called: BREAST CANCER, FAMILIAL; Hereditary breast cancer; hereditary breast carcinoma. Identifiers: Orphanet 227535, MedGen C0346153, MONDO:0016419, OMIM 114480. Disease mechanism: loss of function.

Allele frequency attached by ClinVar (database versions not stated): gnomAD exomes below 0.00001; TOPMed below 0.00001.
gnomAD v4.1: 1 of 1,614,020 alleles (0.000062%); highest among the groups gnomAD compares: South Asian, 0.0011%; no homozygotes.

Submissions (2):

Laboratorio de Genetica e Diagnostico Molecular, Hospital Israelita Albert Einstein
Classification: Uncertain significance for Familial cancer of breast. Last evaluated: 2023-01-21. Review status: criteria provided, single submitter. Criteria: ACMG Guidelines, 2015. Collection method: clinical testing. Allele origin: germline. Affected: yes. Observed: 1 variant allele.
Comment: ACMG classification criteria: PM2 moderated, PP3 supporting

Ambry Genetics
Classification: Uncertain significance. Last evaluated: 2021-06-26. Review status: criteria provided, single submitter. Criteria: Ambry Variant Classification Scheme 2023. Collection method: clinical testing. Allele origin: germline.
Comment: The p.M590T variant (also known as c.1769T>C), located in coding exon 16 of the RAD54L gene, results from a T to C substitution at nucleotide position 1769. The methionine at codon 590 is replaced by threonine, an amino acid with similar properties. This amino acid position is conserved. In addition, this alteration is predicted to be deleterious by in silico analysis. Since supporting evidence is limited at this time, the clinical significance of this alteration remains unclear.

NM_003579.4(RAD54L):c.1769T>C (p.Met590Thr)

Gene: RAD54L (RAD54 like; plus strand). Cytogenetic location: 1p34.1.
Variant type: single nucleotide variant.
Coding change: c.1769T>C on transcript NM_003579.4 (MANE Select); coding-DNA position 1769, T replaced by C.
Protein change: p.Met590Thr; replaces methionine 590 with threonine.
Molecular consequence: missense variant.
Genome position (GRCh38, 1-based): chr1:46,274,617, T>C. VCF-style: chr1-46274617-T-C. GRCh37 (hg19) VCF-style: chr1-46740289-T-C.
Other names: c.1769T>C, p.Met590Thr (NM_001142548.2); c.1229T>C, p.Met410Thr (NM_001370766.1); short protein forms M410T, M590T.
Identifiers: ClinVar variation 1779740 (VCV001779740.3), dbSNP rs1047953550, ClinGen allele CA21898434.
Genomic context (GRCh38, chr1:46,274,617, plus strand): 5'-TGCTGAGCAGCAAAGCTGGGGGCTGTGGCCTCAATCTCATTGGGGCTAACCGGCTGGTCA[T>C]GTTTGACCCTGACTGGAACCCAGCCAATGATGAACAAGCCATGGCCCGGGTCTGGCGAGA-3'
Protein context (NP_003570.2, residues 580-600): LNLIGANRLV[Met590Thr]FDPDWNPAND